The following is an entry in ClinVar:

NM_001394372.1(BICRA):c.3328G>A (p.Ala1110Thr)

Gene: BICRA (BRD4 interacting chromatin remodeling complex associated protein; plus strand). Cytogenetic location: 19q13.33.
Variant type: single nucleotide variant.
Coding change: c.3328G>A on transcript NM_001394372.1 (MANE Select); coding-DNA position 3328, G replaced by A.
Protein change: p.Ala1110Thr; replaces alanine 1110 with threonine.
Molecular consequence: missense variant.
Genome position (GRCh38, 1-based): chr19:47,698,713, G>A. VCF-style: chr19-47698713-G-A. GRCh37 (hg19) VCF-style: chr19-48201970-G-A.
Other names: c.3328G>A, p.Ala1110Thr (NM_015711.3); short protein forms A1110T.
Identifiers: ClinVar variation 2575758 (VCV002575758.2), dbSNP rs2514133668, ClinGen allele CA406622616.
Genomic context (GRCh38, chr19:47,698,713, plus strand): 5'-AAACACCAGGGCTCCGTCCTGCACCCCGACTACAAGACGGCCTTCCCCTCCTTTGAGGAC[G>A]CCCTGCATCGCCTCCTGCCCTACCATGTCTACCAGGGCGCCCTCCCCTCCCCCAGTGACT-3'
Protein context (NP_001381301.1, residues 1100-1120): YKTAFPSFED[Ala1110Thr]LHRLLPYHVY

ClinVar aggregate classification (germline): Uncertain significance. Review status: criteria provided, multiple submitters, no conflicts (2 of 4 stars). 2 submissions from 2 submitters: Uncertain significance (2). Last evaluated 2025-07-15.

Allele frequency attached by ClinVar (database versions not stated): gnomAD exomes below 0.00001.
gnomAD v4.1: 1 of 1,604,706 alleles (0.000062%); highest among the groups gnomAD compares: Non-Finnish European, 0.000085%; no homozygotes.

Submissions (2):

Labcorp Genetics (formerly Invitae), Labcorp
Classification: Uncertain significance. Last evaluated: 2025-07-15. Review status: criteria provided, single submitter. Criteria: Invitae Variant Classification Sherloc (09022015). Collection method: clinical testing. Allele origin: germline.
Comment: This sequence change replaces alanine, which is neutral and non-polar, with threonine, which is neutral and polar, at codon 1110 of the BICRA protein (p.Ala1110Thr). This variant is not present in population databases (gnomAD no frequency). This variant has not been reported in the literature in individuals affected with BICRA-related conditions. ClinVar contains an entry for this variant (Variation ID: 2575758). An algorithm developed to predict the effect of missense changes on protein structure and function (PolyPhen-2) suggests that this variant is likely to be disruptive. In summary, the available evidence is currently insufficient to determine the role of this variant in disease. Therefore, it has been classified as a Variant of Uncertain Significance.

GeneDx
Classification: Uncertain significance. Last evaluated: 2023-02-08. Review status: criteria provided, single submitter. Criteria: GeneDx Variant Classification Process June 2021. Collection method: clinical testing. Allele origin: germline. Affected: yes.
Comment: Not observed at significant frequency in large population cohorts (gnomAD); In silico analysis supports that this missense variant does not alter protein structure/function; Has not been previously published as pathogenic or benign to our knowledge